The following is an entry in ClinVar:

NM_015178.3(RHOBTB2):c.1022G>T (p.Arg341Leu)

Gene: RHOBTB2 (Rho related BTB domain containing 2; plus strand). Cytogenetic location: 8p21.3.
Variant type: single nucleotide variant.
Coding change: c.1022G>T on transcript NM_015178.3 (MANE Select); coding-DNA position 1022, G replaced by T.
Protein change: p.Arg341Leu; replaces arginine 341 with leucine.
Molecular consequence: missense variant.
Genome position (GRCh38, 1-based): chr8:23,007,267, G>T. VCF-style: chr8-23007267-G-T. GRCh37 (hg19) VCF-style: chr8-22864780-G-T.
Other names: c.1088G>T, p.Arg363Leu (NM_001160036.2); c.1043G>T, p.Arg348Leu (NM_001160037.2); c.1022G>T, p.Arg341Leu (NM_001374791.1); short protein forms R341L, R348L, R363L.
Identifiers: ClinVar variation 1879707 (VCV001879707.29), dbSNP rs1005521110, ClinGen allele CA370567184.
Genomic context (GRCh38, chr8:23,007,267, plus strand): 5'-GCCACTCTGATCAACACCACCACCATCACCACCACCACCATGGGCGAGACTTCCTGCTCC[G>T]AGCAGCCAGCTTTGACGTGTGCGAGAGCGTGGATGAGGCTGGGGGCTCCGGTCCTGCTGG-3'
Protein context (NP_055993.2, residues 331-351): HHHHGRDFLL[Arg341Leu]AASFDVCESV

ClinVar aggregate classification (germline): Uncertain significance (1 of 4 stars; one submission).

gnomAD v4.1: 1 of 1,613,032 alleles (0.000062%); highest among the groups gnomAD compares: Non-Finnish European, 0.000085%; no homozygotes.

Submission:

CeGaT Center for Human Genetics Tuebingen
Classification: Uncertain significance. Last evaluated: 2022-10-01. Review status: criteria provided, single submitter. Criteria: CeGaT Center For Human Genetics Tuebingen Variant Classification Criteria Version 2. Collection method: clinical testing. Allele origin: germline. Affected: yes. Observed: 1 variant allele.
Comment: RHOBTB2: PM2